The following is an entry in ClinVar:

ClinVar aggregate classification (germline): Uncertain significance (1 of 4 stars; one submission).

Conditions:
Cardiovascular phenotype. Identifiers: MedGen CN230736.

Allele frequency attached by ClinVar (database versions not stated): gnomAD 0.00001; TOPMed 0.00001.
gnomAD v4.1: 2 of 1,614,016 alleles (0.00012%); highest among the groups gnomAD compares: South Asian, 0.0011%; no homozygotes.

Submission:

Ambry Genetics
Classification: Uncertain significance for Cardiovascular phenotype. Last evaluated: 2022-07-06. Review status: criteria provided, single submitter. Criteria: Ambry Variant Classification Scheme 2023. Collection method: clinical testing. Allele origin: germline.
Comment: The p.S2843N variant (also known as c.8528G>A), located in coding exon 38 of the ANK2 gene, results from a G to A substitution at nucleotide position 8528. The serine at codon 2843 is replaced by asparagine, an amino acid with highly similar properties. This amino acid position is conserved. In addition, this alteration is predicted to be tolerated by in silico analysis. Since supporting evidence is limited at this time, the clinical significance of this alteration remains unclear.

NM_001148.6(ANK2):c.8528G>A (p.Ser2843Asn)

Gene: ANK2 (ankyrin 2; plus strand). Cytogenetic location: 4q26.
Variant type: single nucleotide variant.
Coding change: c.8528G>A on transcript NM_001148.6 (MANE Select); coding-DNA position 8528, G replaced by A.
Protein change: p.Ser2843Asn; replaces serine 2843 with asparagine.
Molecular consequence: missense variant. On other transcripts: intron variant (68).
Genome position (GRCh38, 1-based): chr4:113,357,146, G>A. VCF-style: chr4-113357146-G-A. GRCh37 (hg19) VCF-style: chr4-114278302-G-A.
Other names: c.8294G>A, p.Ser2765Asn (NM_001386142.1); c.4928G>A, p.Ser1643Asn (NM_001386166.1); c.8669G>A, p.Ser2890Asn (NM_001386174.1); c.8645G>A, p.Ser2882Asn (NM_001386175.1); c.4412-3677G>A (NM_001386186.2, NM_001386148.2); c.4214-3677G>A (NM_001354269.3); c.4292-3677G>A (NM_001386187.2); c.4253-3677G>A (NM_001386147.1); and 35 more; short protein forms S2890N, S1643N, S2882N, S2765N, S2843N.
Identifiers: ClinVar variation 1763731 (VCV001763731.2), dbSNP rs2095839641, ClinGen allele CA357934254.
Genomic context (GRCh38, chr4:113,357,146, plus strand): 5'-AGGGAGAAGAGCTTGATGTTTCTAGAGCAGAATCTCCACAAGCAGATTGCCCCAGTGAAA[G>A]CTTTTCATCTTCATCCTCTTTGCCTCATTGTTTGGTATCTGAAGGAAAAGAATTAGATGA-3'
Protein context (NP_001139.3, residues 2833-2853): ESPQADCPSE[Ser2843Asn]FSSSSSLPHC